The following is an entry in ClinVar:

NM_001563.4(IMPG1):c.907C>T (p.Gln303Ter)

Gene: IMPG1 (interphotoreceptor matrix proteoglycan 1; minus strand). Cytogenetic location: 6q14.1.
Variant type: single nucleotide variant.
Coding change: c.907C>T on transcript NM_001563.4 (MANE Select); coding-DNA position 907, C replaced by T.
Protein change: p.Gln303Ter; replaces glutamine 303 with a stop codon.
Molecular consequence: nonsense.
Genome position (GRCh38, 1-based): chr6:76,005,515, G>A on the plus strand (C>T on the coding strand, the complement: IMPG1 is on the minus strand). VCF-style: chr6-76005515-G-A. GRCh37 (hg19) VCF-style: chr6-76715232-G-A.
Other names: c.673C>T, p.Gln225Ter (NM_001282368.2); short protein forms Q225*, Q303*.
Identifiers: ClinVar variation 1120102 (VCV001120102.4), dbSNP rs1366194463, ClinGen allele CA364774679.

ClinVar aggregate classification (germline): Uncertain significance (1 of 4 stars; one submission).

Allele frequency attached by ClinVar (database versions not stated): gnomAD exomes below 0.00001 and 0.00001.
gnomAD v4.1: 12 of 1,613,898 alleles (0.00074%); highest among the groups gnomAD compares: Middle Eastern, 0.017%; no homozygotes.

Submission:

Laboratory for Molecular Medicine, Mass General Brigham Personalized Medicine
Classification: Uncertain significance. Last evaluated: 2020-06-16. Review status: criteria provided, single submitter. Criteria: LMM Criteria. Collection method: clinical testing. Allele origin: germline. Observed: 1 variant allele.
Comment: Variant classified as Uncertain Significance - Favor Pathogenic. The p.Arg303X variant in IMPG1 has not been reported in individuals with vitelliform macular dystrophy but has been identified in 0.0009% (1/112988) of European chromosomes by gnomAD. This nonsense variant leads to a premature termination codon at position 303, which is predicted to lead to a truncated or absent protein. Although heterozygous loss-of-function (LOF) variants in IMPG1, such as this variant, are not believed to be associated with disease in autosomal dominant forms of vitelliform macular dystrophy, there some evidence that can be implicated in disease in a small number of families when present in trans with a second IMPG1 variant (Manes 2013, PMID: 23993198). In summary, while there is some suspicion for a pathogenic role, the clinical significance of this variant is uncertain. ACMG/AMP Criteria applied: PM2, PVS1_Moderate.

Literature cited by the submitters: PubMed 23993198.